The following is an entry in ClinVar:

NM_017514.5(PLXNA3):c.4708G>A (p.Gly1570Ser)

Gene: PLXNA3 (plexin A3; plus strand). Cytogenetic location: Xq28.
Variant type: single nucleotide variant.
Coding change: c.4708G>A on transcript NM_017514.5 (MANE Select); coding-DNA position 4708, G replaced by A.
Protein change: p.Gly1570Ser; replaces glycine 1570 with serine.
Molecular consequence: missense variant.
Genome position (GRCh38, 1-based): chrX:154,469,697, G>A. VCF-style: chrX-154469697-G-A. GRCh37 (hg19) VCF-style: chrX-153698040-G-A.
Other names: short protein forms G1570S.
Identifiers: ClinVar variation 2556608 (VCV002556608.4), dbSNP rs782575034, ClinGen allele CA10564944.

ClinVar aggregate classification (germline): Uncertain significance. Review status: criteria provided, multiple submitters, no conflicts (2 of 4 stars). 2 submissions from 2 submitters: Uncertain significance (2). Last evaluated 2026-07-06.

Conditions:
PLXNA3-related disorder. Also called: PLXNA3-related condition.

Allele frequency attached by ClinVar (database versions not stated): ExAC 0.00001; gnomAD exomes 0.00001; gnomAD 0.00002; TOPMed 0.00003.
gnomAD v4.1: 13 of 1,207,855 alleles (0.0011%); highest among the groups gnomAD compares: Non-Finnish European, 0.0015%; no homozygotes.

Submissions (2):

PreventionGenetics, part of Exact Sciences
Classification: Uncertain significance for PLXNA3-related condition. Last evaluated: 2026-07-06. Review status: criteria provided, single submitter. Criteria: ACMG Guidelines, 2015. Collection method: clinical testing. Allele origin: germline.
Comment: The PLXNA3 c.4708G>A variant is predicted to result in the amino acid substitution p.Gly1570Ser. To our knowledge, this variant has not been reported in the literature. This variant is reported in 0.0037% of alleles in individuals of European (Non-Finnish) descent in gnomAD, including one hemizygous individual. Although we suspect that this variant may be benign, at this time, the clinical significance of this variant is uncertain due to the absence of conclusive functional and genetic evidence.

Ambry Genetics
Classification: Uncertain significance. Last evaluated: 2023-03-21. Review status: criteria provided, single submitter. Criteria: Ambry Variant Classification Scheme 2023. Collection method: clinical testing. Allele origin: germline.